The following is an entry in ClinVar:

NM_024664.4(PPCS):c.613-3C>G

Genes: CCDC30 (coiled-coil domain containing 30; plus strand), PPCS (phosphopantothenoylcysteine synthetase; plus strand). Cytogenetic location: 1p34.2.
Variant type: single nucleotide variant.
Coding change: c.613-3C>G on transcript NM_024664.4 (MANE Select); 3 bases into the intron before coding-DNA position 613, C replaced by G.
Molecular consequence: intron variant.
Genome position (GRCh38, 1-based): chr1:42,459,600, C>G. VCF-style: chr1-42459600-C-G. GRCh37 (hg19) VCF-style: chr1-42925271-C-G.
Other names: c.-880+2250C>G (NM_001355226.2); c.-6-3C>G (NM_001287507.1); c.94-3C>G (NM_001287506.1, NM_001287510.2, NM_001287508.2 and 2 more transcripts); c.612+2250C>G (NM_001287511.2).
Identifiers: ClinVar variation 1492504 (VCV001492504.5), dbSNP rs377394886, ClinGen allele CA800048.

ClinVar aggregate classification (germline): Uncertain significance (1 of 4 stars; one submission).

Allele frequency attached by ClinVar (database versions not stated): ExAC 0.00001; gnomAD 0.00001; gnomAD exomes 0.00001; TOPMed 0.00002; ESP Exome Variant Server 0.00008.
gnomAD v4.1: 28 of 1,610,598 alleles (0.0017%); highest among the groups gnomAD compares: Non-Finnish European, 0.002%; no homozygotes.

Submission:

Labcorp Genetics (formerly Invitae), Labcorp
Classification: Uncertain significance. Last evaluated: 2023-03-19. Review status: criteria provided, single submitter. Criteria: Invitae Variant Classification Sherloc (09022015). Collection method: clinical testing. Allele origin: germline.
Comment: Variants that disrupt the consensus splice site are a relatively common cause of aberrant splicing (PMID: 17576681, 9536098). Algorithms developed to predict the effect of sequence changes on RNA splicing suggest that this variant may disrupt the consensus splice site. In summary, the available evidence is currently insufficient to determine the role of this variant in disease. Therefore, it has been classified as a Variant of Uncertain Significance. ClinVar contains an entry for this variant (Variation ID: 1492504). This variant has not been reported in the literature in individuals affected with PPCS-related conditions. This variant is present in population databases (rs377394886, gnomAD 0.004%). This sequence change falls in intron 2 of the PPCS gene. It does not directly change the encoded amino acid sequence of the PPCS protein. It affects a nucleotide within the consensus splice site.

Literature cited by the submitters: PubMed 17576681; PubMed 9536098.